The following is an entry in ClinVar:

ClinVar aggregate classification (germline): Likely benign. Review status: reviewed by expert panel (3 of 4 stars). 3 submissions from 3 submitters: Likely benign (1). 2 of the submissions do not count toward it. Last evaluated 2024-07-11.

Conditions:
Hereditary thrombocytopenia and hematological cancer predisposition syndrome associated with RUNX1. Also called: PLATELET DISORDER, ASPIRIN-LIKE; Familial Platelet Disorder with Propensity to Acute Myelogenous Leukemia; Familial thrombocytopenia with propensity to acute myelogenous leukemia; RUNX1 Familial Platelet Disorder with Associated Myeloid Malignancies. Identifiers: Orphanet 71290, MedGen C1832388, MeSH C563324, MONDO:0100083, OMIM 601399.
Hereditary cancer-predisposing syndrome. Also called: Tumor predisposition; Hereditary Cancer Syndrome; Hereditary neoplastic syndrome; Neoplastic Syndromes, Hereditary. Identifiers: Orphanet 140162, MedGen C0027672, MeSH D009386, MONDO:0015356.
Hereditary thrombocytopenia and hematologic cancer predisposition syndrome. Identifiers: Orphanet 71290, MedGen CN281654, MONDO:0011071.

Allele frequency attached by ClinVar (database versions not stated): gnomAD exomes below 0.00001; TOPMed below 0.00001.
gnomAD v4.1: 1 of 1,579,412 alleles (0.000063%); highest among the groups gnomAD compares: Non-Finnish European, 0.000086%; no homozygotes.

Submissions (3):

ClinGen Myeloid Malignancy Variant Curation Expert Panel
Classification: Likely benign for Hereditary thrombocytopenia and hematologic cancer predisposition syndrome. Last evaluated: 2024-07-11. Review status: reviewed by expert panel. Criteria: ClinGen MyeloMalig ACMG Specifications v2. Collection method: curation. Allele origin: germline. Inheritance: Autosomal dominant inheritance.
Comment: NM_001754.5(RUNX1):c.968-7C>T is an intronic variant that is completely absent from all population databases with at least 20x coverage for RUNX1 (PM2_supporting). This variant is predicted to not affect splicing (SpliceAI ∆ scores 0.00 < 0.20) (BP4) and is not evolutionarily conserved (PhyloP100way score 0.323 < 2.0) (BP7). To our knowledge, this variant has not been reported in any proband meeting at least one of the RUNX1-phenotypic criteria, and functional studies are not available. In summary, this variant meets the criteria to be classified as likely benign. ACMG/AMP criteria applied, as specified by the Myeloid Malignancy Variant Curation Expert Panel for RUNX1: PM2_supporting, BP4, BP7.

Labcorp Genetics (formerly Invitae), Labcorp
Classification: Likely benign for Hereditary thrombocytopenia and hematological cancer predisposition syndrome associated with RUNX1. Last evaluated: 2025-06-09. Review status: criteria provided, single submitter. Criteria: Invitae Variant Classification Sherloc (09022015). Collection method: clinical testing. Allele origin: germline. Not counted in ClinVar's aggregate classification.

Sema4
Classification: Uncertain significance for Hereditary cancer-predisposing syndrome. Last evaluated: 2022-03-15. Review status: criteria provided, single submitter. Criteria: Sema4 Curation Guidelines. Collection method: curation. Allele origin: germline. Not counted in ClinVar's aggregate classification.
Comment: The RUNX1 c.968-7C>T variant has not been reported in the literature to our knowledge. It was not observed in the large and broad cohorts of the Genome Aggregation Database (PMID: 32461654). This variant has been reported in ClinVar (Variation ID 762975). In silico tools suggest that the variant does not impact splicing, though these predictions have not been confirmed by functional studies. The evidence is insufficient to meet ACMG/AMP criteria for classifying the variant as benign or pathogenic. Thus, the clinical significance of this variant is currently uncertain.

NM_001754.5(RUNX1):c.968-7C>T

Gene: RUNX1 (RUNX family transcription factor 1; minus strand). Cytogenetic location: 21q22.12.
Variant type: single nucleotide variant.
Coding change: c.968-7C>T on transcript NM_001754.5 (MANE Select); 7 bases into the intron before coding-DNA position 968, C replaced by T.
Molecular consequence: intron variant.
Genome position (GRCh38, 1-based): chr21:34,792,617, G>A on the plus strand (C>T on the coding strand, the complement: RUNX1 is on the minus strand). VCF-style: chr21-34792617-G-A. GRCh37 (hg19) VCF-style: chr21-36164914-G-A.
Other names: c.887-7C>T (NM_001001890.3).
Identifiers: ClinVar variation 762975 (VCV000762975.13), dbSNP rs1601334068, ClinGen allele CA915952604.
Genomic context (GRCh38, chr21:34,792,617, plus strand): 5'-AGGGCAGCGCGGGGAACTGGCGCGGGTCGCTGAACGCTGTCAGGTCGGGTGCCGCTGCAG[G>A]GCGGGCAAGAGAACGGAGCGGAAGTGAGTAGGAGGTTGCGGAGGCCACAGCTCTTCCCTC-3'